The following is an entry in ClinVar:

NM_005422.4(TECTA):c.1158del (p.Asn386fs)

Genes: TBCEL-TECTA (TBCEL-TECTA readthrough; plus strand), TECTA (tectorin alpha; plus strand). Cytogenetic location: 11q23.3.
Variant type: Deletion.
Coding change: c.1158del on transcript NM_005422.4 (MANE Select); coding-DNA position 1158, one base deleted (T; older notation c.1158delT).
Protein change: p.Asn386fs; shifts the reading frame from asparagine 386.
Molecular consequence: frameshift variant.
Genome position (GRCh38, 1-based): chr11:121,118,673, T deleted. VCF-style (leftmost placement, unchanged base first): chr11-121118672-AT-A. GRCh37 (hg19) VCF-style: chr11-120989381-AT-A.
Other names: c.2115del, p.Asn705fs (NM_001378761.1); short protein forms N386fs, N705fs.
Identifiers: ClinVar variation 5019687 (VCV005019687.2).

ClinVar aggregate classification (germline): Likely pathogenic (1 of 4 stars; one submission).

Conditions:
Autosomal recessive nonsyndromic hearing loss 21. Identifiers: Orphanet 90636, MedGen C1863655, MONDO:0011351, OMIM 603629.

Submission:

Juno Genomics, Hangzhou Juno Genomics, Inc
Classification: Likely pathogenic for Autosomal recessive nonsyndromic hearing loss 21. Review status: criteria provided, single submitter. Criteria: ACMG Guidelines, 2015. Collection method: clinical testing. Allele origin: germline.
Comment: Absent from controls (or at extremely low frequency if recessive) in Genome Aggregation Database.;Null variant in a gene where loss of function (LOF) is a known mechanism of disease.